The following is an entry in ClinVar:

NM_001164508.2(NEB):c.20918del (p.Lys6973fs)

Gene: NEB (nebulin; minus strand). Cytogenetic location: 2q23.3.
Variant type: Deletion.
Coding change: c.20918del on transcript NM_001164508.2 (MANE Select); coding-DNA position 20918, one base deleted (A; older notation c.20918delA).
Protein change: p.Lys6973fs; shifts the reading frame from lysine 6973.
Molecular consequence: frameshift variant.
Genome position (GRCh38, 1-based): chr2:151,538,219, T deleted on the plus strand (A on the coding strand, the reverse complement: NEB is on the minus strand); the first of 4 consecutive T bases (chr2:151,538,219-151,538,222); deleting any one gives the same sequence. VCF-style (leftmost placement, unchanged base first): chr2-151538218-CT-C. GRCh37 (hg19) VCF-style: chr2-152394732-CT-C.
Other names: c.20918del, p.Lys6973fs (NM_001164507.2, NM_001271208.2); c.15815del, p.Lys5272fs (NM_004543.5); short protein forms K5272fs, K6973fs.
Identifiers: ClinVar variation 2132574 (VCV002132574.4), dbSNP rs2552151169, ClinGen allele CA2580063938.

ClinVar aggregate classification (germline): Pathogenic (1 of 4 stars; one submission).

Conditions:
Nemaline myopathy 2 (NEM2). Also called: Nemaline myopathy 2, autosomal recessive. Identifiers: MedGen C1850569, MONDO:0009725, OMIM 256030.

Submission:

Labcorp Genetics (formerly Invitae), Labcorp
Classification: Pathogenic for Nemaline myopathy 2. Last evaluated: 2022-05-03. Review status: criteria provided, single submitter. Criteria: Invitae Variant Classification Sherloc (09022015). Collection method: clinical testing. Allele origin: germline.
Comment: For these reasons, this variant has been classified as Pathogenic. This variant has not been reported in the literature in individuals affected with NEB-related conditions. This variant is not present in population databases (gnomAD no frequency). This sequence change creates a premature translational stop signal (p.Lys6973Argfs*9) in the NEB gene. It is expected to result in an absent or disrupted protein product. Loss-of-function variants in NEB are known to be pathogenic (PMID: 25205138).

Literature cited by the submitters: PubMed 25205138.